The following is an entry in ClinVar:

ClinVar aggregate classification (germline): Uncertain significance (1 of 4 stars; one submission).

Submission:

Labcorp Genetics (formerly Invitae), Labcorp
Classification: Uncertain significance. Last evaluated: 2022-08-20. Review status: criteria provided, single submitter. Criteria: Invitae Variant Classification Sherloc (09022015). Collection method: clinical testing. Allele origin: germline.
Comment: In summary, the available evidence is currently insufficient to determine the role of this variant in disease. Therefore, it has been classified as a Variant of Uncertain Significance. Experimental studies and prediction algorithms are not available or were not evaluated, and the functional significance of this variant is currently unknown. This variant has not been reported in the literature in individuals affected with NOTCH3-related conditions. This variant is not present in population databases (gnomAD no frequency). This sequence change creates a premature translational stop signal (p.Gln2310*) in the NOTCH3 gene. While this is not anticipated to result in nonsense mediated decay, it is expected to disrupt the last 12 amino acid(s) of the NOTCH3 protein.

NM_000435.3(NOTCH3):c.6928C>T (p.Gln2310Ter)

Gene: NOTCH3 (notch receptor 3; minus strand). Cytogenetic location: 19p13.12.
Variant type: single nucleotide variant.
Coding change: c.6928C>T on transcript NM_000435.3 (MANE Select); coding-DNA position 6928, C replaced by T.
Protein change: p.Gln2310Ter; replaces glutamine 2310 with a stop codon.
Molecular consequence: nonsense.
Genome position (GRCh38, 1-based): chr19:15,160,700, G>A on the plus strand (C>T on the coding strand, the complement: NOTCH3 is on the minus strand). VCF-style: chr19-15160700-G-A. GRCh37 (hg19) VCF-style: chr19-15271511-G-A.
Other names: short protein forms Q2310*.
Identifiers: ClinVar variation 2021832 (VCV002021832.4), dbSNP rs2512608166, ClinGen allele CA404485676.